The following is an entry in ClinVar:

NM_000836.4(GRIN2D):c.721G>A (p.Ala241Thr)

Gene: GRIN2D (glutamate ionotropic receptor NMDA type subunit 2D; plus strand). Cytogenetic location: 19q13.33.
Variant type: single nucleotide variant.
Coding change: c.721G>A on transcript NM_000836.4 (MANE Select); coding-DNA position 721, G replaced by A.
Protein change: p.Ala241Thr; replaces alanine 241 with threonine.
Molecular consequence: missense variant.
Genome position (GRCh38, 1-based): chr19:48,404,989, G>A. VCF-style: chr19-48404989-G-A. GRCh37 (hg19) VCF-style: chr19-48908246-G-A.
Other names: c.721G>A (NM_000836.2); short protein forms A241T.
Identifiers: ClinVar variation 1639047 (VCV001639047.11), dbSNP rs773682521, ClinGen allele CA9550377.
Genomic context (GRCh38, chr19:48,404,989, plus strand): 5'-CTGACGCTGGACCCTGGGGCGGGCGAGGCCGTGCTCAGTGCCCAGCTCCGCAGTGTCAGC[G>A]CGCAGATCCGCCTGCTCTTCTGCGCCCGAGAGGAGGCCGAGCCCGTGTTCCGCGCAGCTG-3'
Protein context (NP_000827.2, residues 231-251): VLSAQLRSVS[Ala241Thr]QIRLLFCARE

ClinVar aggregate classification (germline): Conflicting classifications of pathogenicity. Review status: criteria provided, conflicting classifications (1 of 4 stars). 3 submissions from 3 submitters: Uncertain significance (1); Likely benign (2). Last evaluated 2025-12-11.

Conditions:
Inborn genetic diseases. Identifiers: MedGen C0950123, MeSH D030342.

Allele frequency attached by ClinVar (database versions not stated): gnomAD 0.00001; gnomAD exomes 0.00004 and 0.00010; TOPMed 0.00005; ExAC 0.00012.

Submissions (3):

Ambry Genetics
Classification: Likely benign for Inborn genetic diseases. Last evaluated: 2025-12-11. Review status: criteria provided, single submitter. Criteria: Ambry Variant Classification Scheme 2023. Collection method: clinical testing. Allele origin: germline.

Labcorp Genetics (formerly Invitae), Labcorp
Classification: Likely benign. Last evaluated: 2025-11-23. Review status: criteria provided, single submitter. Criteria: Invitae Variant Classification Sherloc (09022015). Collection method: clinical testing. Allele origin: germline.

Women's Health and Genetics/Laboratory Corporation of America, LabCorp
Classification: Uncertain significance. Last evaluated: 2025-04-03. Review status: criteria provided, single submitter. Criteria: LabCorp Variant Classification Summary - May 2015. Collection method: clinical testing. Allele origin: germline.
Comment: Variant summary: GRIN2D c.721G>A (p.Ala241Thr) results in a non-conservative amino acid change in the encoded protein sequence. Three of five in-silico tools predict a damaging effect of the variant on protein function. The variant allele was found at a frequency of 9.9e-05 in 241944 control chromosomes (gnomAD). This frequency is not significantly higher than estimated for a pathogenic variant in GRIN2D causing Epileptic Encephalopathy, Early Infantile, 46, allowing no conclusion about variant significance. To our knowledge, no occurrence of c.721G>A in individuals affected with Epileptic Encephalopathy, Early Infantile, 46 and no experimental evidence demonstrating its impact on protein function have been reported. ClinVar contains an entry for this variant (Variation ID: 1639047). Based on the evidence outlined above, the variant was classified as uncertain significance.